The following is an entry in ClinVar:

NM_016333.4(SRRM2):c.633_634del (p.Ser212fs)

Gene: SRRM2 (serine/arginine repetitive matrix 2; plus strand). Cytogenetic location: 16p13.3.
Variant type: Deletion.
Coding change: c.633_634del on transcript NM_016333.4 (MANE Select); coding-DNA positions 633 to 634, 2 bases deleted (AA; older notation c.633_634delAA).
Protein change: p.Ser212fs; shifts the reading frame from serine 212.
Molecular consequence: frameshift variant.
Genome position (GRCh38, 1-based): chr16:2,759,024-2,759,025, AA deleted; deleting any 2 consecutive bases within chr16:2,759,022-2,759,025 gives the same sequence; the c. name uses the placement nearest the transcript's 3' end. VCF-style (leftmost placement, unchanged base first): chr16-2759021-GAA-G. GRCh37 (hg19) VCF-style: chr16-2809022-GAA-G.
Other names: short protein forms S212fs.
Identifiers: ClinVar variation 4850031 (VCV004850031.1).

ClinVar aggregate classification (germline): Pathogenic (1 of 4 stars; one submission).

Conditions:
Intellectual developmental disorder, autosomal dominant 72 (MRD72). Identifiers: Orphanet 652487, MedGen C5830612, MONDO:0957397, OMIM 620439.

Submission:

Variantyx, Inc.
Classification: Pathogenic for Intellectual developmental disorder, autosomal dominant 72. Last evaluated: 2025-04-10. Review status: criteria provided, single submitter. Criteria: Variantyx Assertion Criteria 2022. Collection method: clinical testing. Allele origin: de novo. Inheritance: Autosomal dominant inheritance. Affected: yes.
Comment: This is a frameshift variant in the SRRM2 gene (OMIM: 606032). Pathogenic variants in this gene have been associated with autosomal dominant intellectual developmental disorder 72. The alteration introduces a premature termination codon in exon 6 out of 15 and is expected to result in loss of function, which is a known disease mechanism for SRRM2 in this disorder (PMID: 35567594) (PVS1). This variant is absent from control populations (PM2). Based on the current evidence, this variant is classified as pathogenic for autosomal dominant intellectual developmental disorder 72.

Literature cited by the submitters: PubMed 35567594.